The following is an entry in ClinVar:

NM_001142800.2(EYS):c.7085del (p.Pro2362fs)

Gene: EYS (EGF-like photoreceptor maintenance factor; minus strand). Cytogenetic location: 6q12.
Variant type: Deletion.
Coding change: c.7085del on transcript NM_001142800.2 (MANE Select); coding-DNA position 7085, one base deleted (C; older notation c.7085delC).
Protein change: p.Pro2362fs; shifts the reading frame from proline 2362.
Molecular consequence: frameshift variant.
Genome position (GRCh38, 1-based): chr6:63,864,329, G deleted on the plus strand (C on the coding strand, the reverse complement: EYS is on the minus strand); the first of 2 consecutive G bases (chr6:63,864,329-63,864,330); deleting either gives the same sequence. VCF-style (leftmost placement, unchanged base first): chr6-63864328-TG-T. GRCh37 (hg19) VCF-style: chr6-64574221-TG-T.
Other names: c.7085del, p.Pro2362fs (NM_001292009.2); short protein forms P2362fs.
Identifiers: ClinVar variation 2747174 (VCV002747174.3), dbSNP rs1772619805, ClinGen allele CA1633451000.

ClinVar aggregate classification (germline): Pathogenic (1 of 4 stars; one submission).

Submission:

Labcorp Genetics (formerly Invitae), Labcorp
Classification: Pathogenic. Last evaluated: 2023-07-31. Review status: criteria provided, single submitter. Criteria: Invitae Variant Classification Sherloc (09022015). Collection method: clinical testing. Allele origin: germline.
Comment: This variant is not present in population databases (gnomAD no frequency). For these reasons, this variant has been classified as Pathogenic. This variant has not been reported in the literature in individuals affected with EYS-related conditions. This sequence change creates a premature translational stop signal (p.Pro2362Glnfs*85) in the EYS gene. It is expected to result in an absent or disrupted protein product. Loss-of-function variants in EYS are known to be pathogenic (PMID: 18836446, 20333770).

Literature cited by the submitters: PubMed 18836446; PubMed 20333770.